The following is an entry in ClinVar:

ClinVar aggregate classification (germline): Likely benign (0 of 4 stars; one submission).

Conditions:
NCAM2-related disorder. Also called: NCAM2-related condition.

Allele frequency attached by ClinVar (database versions not stated): gnomAD 0.00009; TOPMed 0.00011.
gnomAD v4.1: 154 of 1,288,666 alleles (0.012%); highest among the groups gnomAD compares: Middle Eastern, 0.9%; 1 homozygote.

Submission:

PreventionGenetics, part of Exact Sciences
Classification: Likely benign for NCAM2-related condition. Last evaluated: 2019-03-01. Review status: no assertion criteria provided. Collection method: clinical testing. Allele origin: germline.
Comment: This variant is classified as likely benign based on ACMG/AMP sequence variant interpretation guidelines (Richards et al. 2015 PMID: 25741868, with internal and published modifications).

NM_004540.5(NCAM2):c.56-69974C>A

Gene: NCAM2 (neural cell adhesion molecule 2; plus strand). Cytogenetic location: 21q21.1.
Variant type: single nucleotide variant.
Coding change: c.56-69974C>A on transcript NM_004540.5 (MANE Select); 69974 bases into the intron before coding-DNA position 56, C replaced by A.
Molecular consequence: intron variant. On other transcripts: missense variant (2).
Genome position (GRCh38, 1-based): chr21:21,210,604, C>A. VCF-style: chr21-21210604-C-A. GRCh37 (hg19) VCF-style: chr21-22582923-C-A.
Other names: c.43C>A, p.His15Asn (NM_001352592.2, NM_001352597.2); c.56-69974C>A (NM_001352591.2, NM_001352593.2, NM_001352594.2 and 1 more transcripts); c.56-81500C>A (NM_001352595.2); short protein forms H15N.
Identifiers: ClinVar variation 3039447 (VCV003039447.2), dbSNP rs868203661, ClinGen allele CA318678154.